The following is an entry in ClinVar:

ClinVar aggregate classification (germline): Uncertain significance (1 of 4 stars; one submission).

Submission:

GeneDx
Classification: Uncertain significance. Last evaluated: 2022-05-06. Review status: criteria provided, single submitter. Criteria: GeneDx Variant Classification Process June 2021. Collection method: clinical testing. Allele origin: germline. Affected: yes.
Comment: Has not been previously published as pathogenic or benign to our knowledge; Not observed at significant frequency in large population cohorts (gnomAD); In silico analysis supports that this missense variant has a deleterious effect on protein structure/function

NM_001080517.3(SETD5):c.976C>G (p.Leu326Val)

Gene: SETD5 (SET domain containing 5; plus strand). Cytogenetic location: 3p25.3.
Variant type: single nucleotide variant.
Coding change: c.976C>G on transcript NM_001080517.3 (MANE Select); coding-DNA position 976, C replaced by G.
Protein change: p.Leu326Val; replaces leucine 326 with valine.
Molecular consequence: missense variant.
Genome position (GRCh38, 1-based): chr3:9,442,144, C>G. VCF-style: chr3-9442144-C-G. GRCh37 (hg19) VCF-style: chr3-9483828-C-G.
Other names: c.682C>G, p.Leu228Val (NM_001292043.2, NM_001349451.2); short protein forms L228V, L326V.
Identifiers: ClinVar variation 1722896 (VCV001722896.2), dbSNP rs2472723265, ClinGen allele CA351689211.